The following is an entry in ClinVar:

ClinVar aggregate classification (germline): Uncertain significance. Review status: criteria provided, multiple submitters, no conflicts (2 of 4 stars). 3 submissions from 3 submitters: Uncertain significance (3). Last evaluated 2021-09-08.

Conditions:
Hereditary cancer-predisposing syndrome. Also called: Tumor predisposition; Neoplastic Syndromes, Hereditary; Hereditary Cancer Syndrome; Hereditary neoplastic syndrome. Identifiers: Orphanet 140162, MedGen C0027672, MeSH D009386, MONDO:0015356.
Fanconi anemia complementation group J. Also called: BRIP1-Related Fanconi Anemia. Identifiers: Orphanet 84, MedGen C1836860, MONDO:0012187, OMIM 609054.
Familial cancer of breast. Also called: BREAST CANCER, FAMILIAL; hereditary breast carcinoma; Hereditary breast cancer. Identifiers: Orphanet 227535, MedGen C0346153, MONDO:0016419, OMIM 114480. Disease mechanism: loss of function.

Allele frequency attached by ClinVar (database versions not stated): gnomAD exomes below 0.00001.

Submissions (3):

Ambry Genetics
Classification: Uncertain significance for Hereditary cancer-predisposing syndrome. Last evaluated: 2021-09-08. Review status: criteria provided, single submitter. Criteria: Ambry Variant Classification Scheme 2023. Collection method: clinical testing. Allele origin: germline.
Comment: The p.G344R variant (also known as c.1030G>A), located in coding exon 7 of the BRIP1 gene, results from a G to A substitution at nucleotide position 1030. The glycine at codon 344 is replaced by arginine, an amino acid with dissimilar properties. This amino acid position is conserved. In addition, this alteration is predicted to be deleterious by in silico analysis. Since supporting evidence is limited at this time, the clinical significance of this alteration remains unclear.

Color Diagnostics, LLC DBA Color Health
Classification: Uncertain significance for Hereditary cancer-predisposing syndrome. Last evaluated: 2019-04-04. Review status: criteria provided, single submitter. Criteria: ACMG Guidelines, 2015. Collection method: clinical testing. Allele origin: germline.

Labcorp Genetics (formerly Invitae), Labcorp
Classification: Uncertain significance for Familial cancer of breast; Fanconi anemia complementation group J. Last evaluated: 2018-01-23. Review status: criteria provided, single submitter. Criteria: Invitae Variant Classification Sherloc (09022015). Collection method: clinical testing. Allele origin: germline.
Comment: This variant is not present in population databases (ExAC no frequency). In summary, the available evidence is currently insufficient to determine the role of this variant in disease. Therefore, it has been classified as a Variant of Uncertain Significance. Algorithms developed to predict the effect of missense changes on protein structure and function (SIFT, PolyPhen-2, Align-GVGD) all suggest that this variant is likely to be disruptive, but these predictions have not been confirmed by published functional studies and their clinical significance is uncertain. This variant has not been reported in the literature in individuals with BRIP1-related disease. This sequence change replaces glycine with arginine at codon 344 of the BRIP1 protein (p.Gly344Arg). The glycine residue is highly conserved and there is a moderate physicochemical difference between glycine and arginine.

NM_032043.3(BRIP1):c.1030G>A (p.Gly344Arg)

Gene: BRIP1 (BRCA1 interacting DNA helicase 1; minus strand). Cytogenetic location: 17q23.2.
Variant type: single nucleotide variant.
Coding change: c.1030G>A on transcript NM_032043.3 (MANE Select); coding-DNA position 1030, G replaced by A.
Protein change: p.Gly344Arg; replaces glycine 344 with arginine.
Molecular consequence: missense variant.
Genome position (GRCh38, 1-based): chr17:61,801,363, C>T on the plus strand (G>A on the coding strand, the complement: BRIP1 is on the minus strand). VCF-style: chr17-61801363-C-T. GRCh37 (hg19) VCF-style: chr17-59878724-C-T.
Other names: short protein forms G344R.
Identifiers: ClinVar variation 491396 (VCV000491396.15), dbSNP rs1555607734, ClinGen allele CA400484079.